The following is an entry in ClinVar:

ClinVar aggregate classification (germline): Likely benign (1 of 4 stars; one submission).

Allele frequency attached by ClinVar (database versions not stated): TOPMed 0.00014; gnomAD 0.00015; ESP Exome Variant Server 0.00016; ExAC 0.00017; gnomAD exomes 0.00026.
gnomAD v4.1: 388 of 1,613,882 alleles (0.024%); highest among the groups gnomAD compares: Middle Eastern, 0.066%; no homozygotes.

Submission:

CeGaT Center for Human Genetics Tuebingen
Classification: Likely benign. Last evaluated: 2024-05-01. Review status: criteria provided, single submitter. Criteria: CeGaT Center For Human Genetics Tuebingen Variant Classification Criteria Version 2. Collection method: clinical testing. Allele origin: germline. Affected: yes. Observed: 1 variant allele.
Comment: TENM4: BP4, BP7

NM_001098816.3(TENM4):c.4497T>C (p.Thr1499=)

Gene: TENM4 (teneurin transmembrane protein 4; minus strand). Cytogenetic location: 11q14.1.
Variant type: single nucleotide variant.
Coding change: c.4497T>C on transcript NM_001098816.3 (MANE Select); coding-DNA position 4497, T replaced by C.
Protein change: p.Thr1499=; no amino-acid change (threonine 1499 retained).
Molecular consequence: synonymous variant.
Genome position (GRCh38, 1-based): chr11:78,702,116, A>G on the plus strand (T>C on the coding strand, the complement: TENM4 is on the minus strand). VCF-style: chr11-78702116-A-G. GRCh37 (hg19) VCF-style: chr11-78413161-A-G.
Identifiers: ClinVar variation 3239154 (VCV003239154.19), dbSNP rs377033697.
Genomic context (GRCh38, chr11:78,702,116, plus strand): 5'-GGCATCATTTTTACAGTCACAGCCACTGGGGGCCCCAGCAACGAGTGAGATCTCTCCACT[A>G]GTGGTGACCTGCCTGATGCGGTTGATCTTTTTCTCATCAGTCTCAGCAATATACAGGACC-3'
Protein context (NP_001092286.2, residues 1489-1509): KKINRIRQVT[Thr1499=]SGEISLVAGA